The following is an entry in ClinVar:

NM_172201.2(KCNE2):c.23C>A (p.Thr8Lys)

Genes: KCNE2 (potassium voltage-gated channel subfamily E regulatory subunit 2; plus strand), LOC105372791 (uncharacterized LOC105372791; minus strand). Cytogenetic location: 21q22.11.
Variant type: single nucleotide variant.
Coding change: c.23C>A on transcript NM_172201.2 (MANE Select); coding-DNA position 23, C replaced by A.
Protein change: p.Thr8Lys; replaces threonine 8 with lysine.
Molecular consequence: missense variant. On other transcripts: non-coding transcript variant (2).
Genome position (GRCh38, 1-based): chr21:34,370,501, C>A. VCF-style: chr21-34370501-C-A. GRCh37 (hg19) VCF-style: chr21-35742800-C-A.
Other names: short protein forms T8K.
Identifiers: ClinVar variation 3229283 (VCV003229283.1), dbSNP rs35759083, ClinGen allele CA410196114.

ClinVar aggregate classification (germline): Uncertain significance (1 of 4 stars; one submission).

Conditions:
Cardiovascular phenotype. Identifiers: MedGen CN230736.

Submission:

Ambry Genetics
Classification: Uncertain significance for Cardiovascular phenotype. Last evaluated: 2023-09-22. Review status: criteria provided, single submitter. Criteria: Ambry Variant Classification Scheme 2023. Collection method: clinical testing. Allele origin: germline.
Comment: The p.T8K variant (also known as c.23C>A), located in coding exon 1 of the KCNE2 gene, results from a C to A substitution at nucleotide position 23. The threonine at codon 8 is replaced by lysine, an amino acid with similar properties. This amino acid position is conserved. In addition, this alteration is predicted to be deleterious by in silico analysis. Since supporting evidence is limited at this time, the clinical significance of this alteration remains unclear.